The following is an entry in ClinVar:

ClinVar aggregate classification (germline): Uncertain significance. Review status: criteria provided, multiple submitters, no conflicts (2 of 4 stars). 2 submissions from 2 submitters: Uncertain significance (2). Last evaluated 2022-11-09.

Conditions:
Hereditary cancer-predisposing syndrome. Also called: Neoplastic Syndromes, Hereditary; Hereditary Cancer Syndrome; Tumor predisposition; Hereditary neoplastic syndrome. Identifiers: Orphanet 140162, MedGen C0027672, MeSH D009386, MONDO:0015356.

Submissions (2):

Ambry Genetics
Classification: Uncertain significance for Hereditary cancer-predisposing syndrome. Last evaluated: 2022-11-09. Review status: criteria provided, single submitter. Criteria: Ambry Variant Classification Scheme 2023. Collection method: clinical testing. Allele origin: germline.
Comment: The p.A594V variant (also known as c.1781C>T), located in coding exon 12 of the CTNNA1 gene, results from a C to T substitution at nucleotide position 1781. The alanine at codon 594 is replaced by valine, an amino acid with similar properties. In one study, this alteration was identified in 1/151,425 individuals who underwent multi-gene germline genetic testing and classified as a variant of uncertain significance by the authors (Clark DF et al. Genet Med, 2020 05;22:840-846). This amino acid position is highly conserved in available vertebrate species. In addition, the in silico prediction for this alteration is inconclusive. The evidence for this gene-disease relationship is limited; therefore, the clinical significance of this alteration is unclear.

Labcorp Genetics (formerly Invitae), Labcorp
Classification: Uncertain significance. Last evaluated: 2018-04-30. Review status: criteria provided, single submitter. Criteria: Invitae Variant Classification Sherloc (09022015). Collection method: clinical testing. Allele origin: germline.
Comment: In summary, the available evidence is currently insufficient to determine the role of this variant in disease. Therefore, it has been classified as a Variant of Uncertain Significance. Algorithms developed to predict the effect of missense changes on protein structure and function do not agree on the potential impact of this missense change (SIFT: "Deleterious"; PolyPhen-2: "Benign"; Align-GVGD: "Class C0"). This variant has not been reported in the literature in individuals with CTNNA1-related disease. This variant is not present in population databases (ExAC no frequency). This sequence change replaces alanine with valine at codon 594 of the CTNNA1 protein (p.Ala594Val). The alanine residue is highly conserved and there is a small physicochemical difference between alanine and valine.

Literature cited by the submitters: PubMed 32051609 (cited by Ambry Genetics).

NM_001903.5(CTNNA1):c.1781C>T (p.Ala594Val)

Gene: CTNNA1 (catenin alpha 1; plus strand). Cytogenetic location: 5q31.2.
Variant type: single nucleotide variant.
Coding change: c.1781C>T on transcript NM_001903.5 (MANE Select); coding-DNA position 1781, C replaced by T.
Protein change: p.Ala594Val; replaces alanine 594 with valine.
Molecular consequence: missense variant.
Genome position (GRCh38, 1-based): chr5:138,925,289, C>T. VCF-style: chr5-138925289-C-T. GRCh37 (hg19) VCF-style: chr5-138260978-C-T.
Other names: c.1781C>T, p.Ala594Val (NM_001290307.3, NM_001323982.2, NM_001323983.1 and 2 more transcripts); c.1472C>T, p.Ala491Val (NM_001290309.3); c.1412C>T, p.Ala471Val (NM_001290310.3); c.671C>T, p.Ala224Val (NM_001290312.1, NM_001323987.1, NM_001323988.1 and 17 more transcripts); c.1688C>T, p.Ala563Val (NM_001323986.2); c.332C>T, p.Ala111Val (NM_001324006.1, NM_001324007.1, NM_001324008.1 and 2 more transcripts); c.578C>T, p.Ala193Val (NM_001324011.1); c.428C>T, p.Ala143Val (NM_001324012.1, NM_001324013.1); and 1 more; short protein forms A224V, A491V, A563V, A471V, A111V, A143V, A193V, A594V.
Identifiers: ClinVar variation 1039937 (VCV001039937.10), dbSNP rs1211833493, ClinGen allele CA361132193.